The following is an entry in ClinVar:

NM_015198.5(COBL):c.2672A>G (p.Tyr891Cys)

Gene: COBL (cordon-bleu WH2 repeat protein; minus strand). Cytogenetic location: 7p12.1.
Variant type: single nucleotide variant.
Coding change: c.2672A>G on transcript NM_015198.5 (MANE Select); coding-DNA position 2672, A replaced by G.
Protein change: p.Tyr891Cys; replaces tyrosine 891 with cysteine.
Molecular consequence: missense variant.
Genome position (GRCh38, 1-based): chr7:51,028,424, T>C on the plus strand (A>G on the coding strand, the complement: COBL is on the minus strand). VCF-style: chr7-51028424-T-C. GRCh37 (hg19) VCF-style: chr7-51096121-T-C.
Other names: c.2843A>G, p.Tyr948Cys (NM_001287436.3, NM_001346441.2); c.2672A>G, p.Tyr891Cys (NM_001346442.2, NM_001346443.2); c.2918A>G, p.Tyr973Cys (NM_001410881.1); short protein forms Y891C, Y948C, Y973C.
Identifiers: ClinVar variation 2657505 (VCV002657505.24), dbSNP rs151276908, ClinGen allele CA4263479.
Genomic context (GRCh38, chr7:51,028,424, plus strand): 5'-TTCACAGTGACAGGTGGTGCAGCCAGCACTGGCGCCTTGCCTGCATAACCCTTCTCGGCA[T>C]AACCGTGTGGCCTCACCACATCAGCATGGACTTTTGGGGCTCCTATGCGCTTGGCAATGG-3'
Protein context (NP_056013.2, residues 881-901): VHADVVRPHG[Tyr891Cys]AEKGYAGKAP

ClinVar aggregate classification (germline): Likely benign (1 of 4 stars; one submission).

Allele frequency attached by ClinVar (database versions not stated): 1000 Genomes Project 0.00060; 1000 Genomes Project 30x 0.00078; ExAC 0.00086; gnomAD 0.00142; ESP Exome Variant Server 0.00154; TOPMed 0.00226.
gnomAD v4.1: 1,454 of 1,614,258 alleles (0.09%); highest among the groups gnomAD compares: Middle Eastern, 0.51%; 8 homozygotes.

Submission:

CeGaT Center for Human Genetics Tuebingen
Classification: Likely benign. Last evaluated: 2022-03-01. Review status: criteria provided, single submitter. Criteria: CeGaT Center For Human Genetics Tuebingen Variant Classification Criteria Version 2. Collection method: clinical testing. Allele origin: germline. Affected: yes. Observed: 1 variant allele.
Comment: COBL: BP4, BS2